The following is an entry in ClinVar:

NM_018897.3(DNAH7):c.1540G>A (p.Ala514Thr)

Gene: DNAH7 (dynein axonemal heavy chain 7; minus strand). Cytogenetic location: 2q32.3.
Variant type: single nucleotide variant.
Coding change: c.1540G>A on transcript NM_018897.3 (MANE Select); coding-DNA position 1540, G replaced by A.
Protein change: p.Ala514Thr; replaces alanine 514 with threonine.
Molecular consequence: missense variant.
Genome position (GRCh38, 1-based): chr2:195,988,043, C>T on the plus strand (G>A on the coding strand, the complement: DNAH7 is on the minus strand). VCF-style: chr2-195988043-C-T. GRCh37 (hg19) VCF-style: chr2-196852767-C-T.
Other names: short protein forms A514T.
Identifiers: ClinVar variation 772855 (VCV000772855.7), dbSNP rs146788086, ClinGen allele CA2036619.
Genomic context (GRCh38, chr2:195,988,043, plus strand): 5'-CTATTAGTTTCTGGTATTTGCAAATTTCATCTATTATTTTTTCATAACTATGATTTTCTG[C>T]GAGGAAGTTATCAACATCTCGCTCAGCTTTTCTGGTAATTAAAAAGTCATACTTGTCATA-3'
Protein context (NP_061720.2, residues 504-524): KAERDVDNFL[Ala514Thr]ENHSYEKIID

ClinVar aggregate classification (germline): Benign. Review status: criteria provided, multiple submitters, no conflicts (2 of 4 stars). 3 submissions from 3 submitters: Benign (2). 1 of the submissions does not count toward it. Last evaluated 2019-12-31.

Conditions:
DNAH7-related disorder. Also called: DNAH7-related condition.

Allele frequency attached by ClinVar (database versions not stated): 1000 Genomes Project 0.00100; 1000 Genomes Project 30x 0.00109; gnomAD 0.00297 and 0.00307; TOPMed 0.00354; ESP Exome Variant Server 0.00407.
gnomAD v4.1: 7,736 of 1,613,122 alleles (0.48%); highest among the groups gnomAD compares: Non-Finnish European, 0.59%; 26 homozygotes.

Submissions (3):

Labcorp Genetics (formerly Invitae), Labcorp
Classification: Benign. Last evaluated: 2019-12-31. Review status: criteria provided, single submitter. Criteria: Invitae Variant Classification Sherloc (09022015). Collection method: clinical testing. Allele origin: germline.

Breakthrough Genomics
Classification: Benign. Review status: criteria provided, single submitter. Criteria: ACMG Guidelines, 2015. Collection method: not provided. Allele origin: germline. Inheritance: Unknown mechanism. Affected: yes.

PreventionGenetics, part of Exact Sciences
Classification: Likely benign for DNAH7-related condition. Last evaluated: 2019-06-27. Review status: no assertion criteria provided. Collection method: clinical testing. Allele origin: germline. Not counted in ClinVar's aggregate classification.
Comment: This variant is classified as likely benign based on ACMG/AMP sequence variant interpretation guidelines (Richards et al. 2015 PMID: 25741868, with internal and published modifications).